The following is an entry in ClinVar:

ClinVar aggregate classification (germline): Uncertain significance (1 of 4 stars; one submission).

gnomAD v4.1: 3 of 1,614,088 alleles (0.00019%); highest among the groups gnomAD compares: Non-Finnish European, 0.00025%; no homozygotes.

Submission:

Mayo Clinic Laboratories, Mayo Clinic
Classification: Uncertain significance. Last evaluated: 2024-07-03. Review status: criteria provided, single submitter. Criteria: ACMG Guidelines, 2015. Collection method: clinical testing. Allele origin: germline. Observed: 1 variant allele.
Comment: BP4, PM2

NM_003632.3(CNTNAP1):c.2864C>T (p.Pro955Leu)

Gene: CNTNAP1 (contactin associated protein 1; plus strand). Cytogenetic location: 17q21.2.
Variant type: single nucleotide variant.
Coding change: c.2864C>T on transcript NM_003632.3 (MANE Select); coding-DNA position 2864, C replaced by T.
Protein change: p.Pro955Leu; replaces proline 955 with leucine.
Molecular consequence: missense variant.
Genome position (GRCh38, 1-based): chr17:42,693,408, C>T. VCF-style: chr17-42693408-C-T. GRCh37 (hg19) VCF-style: chr17-40845426-C-T.
Other names: p.Pro955Leu; short protein forms P955L.
Identifiers: ClinVar variation 3380489 (VCV003380489.1).